The following is an entry in ClinVar:

NM_004568.6(SERPINB6):c.1042C>T (p.Arg348Cys)

Gene: SERPINB6 (serpin family B member 6; minus strand). Cytogenetic location: 6p25.2.
Variant type: single nucleotide variant.
Coding change: c.1042C>T on transcript NM_004568.6 (MANE Select); coding-DNA position 1042, C replaced by T.
Protein change: p.Arg348Cys; replaces arginine 348 with cysteine.
Molecular consequence: missense variant. On other transcripts: non-coding transcript variant (1).
Genome position (GRCh38, 1-based): chr6:2,948,387, G>A on the plus strand (C>T on the coding strand, the complement: SERPINB6 is on the minus strand). VCF-style: chr6-2948387-G-A. GRCh37 (hg19) VCF-style: chr6-2948621-G-A.
Other names: c.1054C>T, p.Arg352Cys (NM_001195291.3, NM_001374515.1); c.1084C>T, p.Arg362Cys (NM_001271822.2); c.1099C>T, p.Arg367Cys (NM_001271823.2); c.1042C>T, p.Arg348Cys (NM_001271824.2, NM_001271825.2, NM_001297699.2 and 2 more transcripts); c.910C>T, p.Arg304Cys (NM_001374517.1); short protein forms R348C, R352C, R362C, R367C, R304C.
Identifiers: ClinVar variation 229241 (VCV000229241.10), dbSNP rs774270238, ClinGen allele CA3617364.

ClinVar aggregate classification (germline): Uncertain significance. Review status: criteria provided, multiple submitters, no conflicts (2 of 4 stars). 3 submissions from 3 submitters: Uncertain significance (3). Last evaluated 2025-04-23.

Allele frequency attached by ClinVar (database versions not stated): ExAC 0.00001.
gnomAD v4.1: 26 of 1,614,048 alleles (0.0016%); highest among the groups gnomAD compares: South Asian, 0.0077%; no homozygotes.

Submissions (3):

GeneDx
Classification: Uncertain significance. Last evaluated: 2025-04-23. Review status: criteria provided, single submitter. Criteria: GeneDx Variant Classification Process June 2021. Collection method: clinical testing. Allele origin: germline. Affected: yes.
Comment: In silico analysis supports that this missense variant has a deleterious effect on protein structure/function; Has not been previously published as pathogenic or benign to our knowledge

Ambry Genetics
Classification: Uncertain significance. Last evaluated: 2025-04-09. Review status: criteria provided, single submitter. Criteria: Ambry Variant Classification Scheme 2023. Collection method: clinical testing. Allele origin: germline.

Laboratory for Molecular Medicine, Mass General Brigham Personalized Medicine
Classification: Uncertain significance. Last evaluated: 2021-05-13. Review status: criteria provided, single submitter. Criteria: ACMG Guidelines, 2015. Collection method: clinical testing. Allele origin: germline.
Comment: The p.Arg348Cys variant in SERPINB6 has not been previously reported in individuals with hearing loss, but has been identified in 0.008% (2/24,940) of African American chromosomes by gnomAD. Computational prediction tools and conservation analyses suggest that this variant may not impact the protein, though this information is not predictive enough to rule out pathogenicity. In summary, while the clinical significance of this variant is uncertain, these data suggest that it is more likely to be benign. ACMG/AMP Criteria applied: BP4, PM2_Supporting.